The following is an entry in ClinVar:

ClinVar aggregate classification (germline): Uncertain significance (1 of 4 stars; one submission).

Conditions:
Early Myoclonic Encephalopathy. Identifiers: MedGen C0270855.

gnomAD v4.1: 33 of 1,613,978 alleles (0.002%); highest among the groups gnomAD compares: Non-Finnish European, 0.0028%; no homozygotes.

Submission:

Labcorp Genetics (formerly Invitae), Labcorp
Classification: Uncertain significance for Early Myoclonic Encephalopathy. Last evaluated: 2024-05-10. Review status: criteria provided, single submitter. Criteria: Invitae Variant Classification Sherloc (09022015). Collection method: clinical testing. Allele origin: germline.
Comment: This sequence change replaces serine, which is neutral and polar, with phenylalanine, which is neutral and non-polar, at codon 1982 of the JMJD1C protein (p.Ser1982Phe). This variant is not present in population databases (gnomAD no frequency). This variant has not been reported in the literature in individuals affected with JMJD1C-related conditions. Advanced modeling of protein sequence and biophysical properties (such as structural, functional, and spatial information, amino acid conservation, physicochemical variation, residue mobility, and thermodynamic stability) performed at Invitae indicates that this missense variant is expected to disrupt JMJD1C protein function with a positive predictive value of 80%. In summary, the available evidence is currently insufficient to determine the role of this variant in disease. Therefore, it has been classified as a Variant of Uncertain Significance.

NM_032776.3(JMJD1C):c.5945C>T (p.Ser1982Phe)

Gene: JMJD1C (jumonji domain containing 1C; minus strand). Cytogenetic location: 10q21.3.
Variant type: single nucleotide variant.
Coding change: c.5945C>T on transcript NM_032776.3 (MANE Select); coding-DNA position 5945, C replaced by T.
Protein change: p.Ser1982Phe; replaces serine 1982 with phenylalanine.
Molecular consequence: missense variant. On other transcripts: non-coding transcript variant (1).
Genome position (GRCh38, 1-based): chr10:63,193,069, G>A on the plus strand (C>T on the coding strand, the complement: JMJD1C is on the minus strand). VCF-style: chr10-63193069-G-A. GRCh37 (hg19) VCF-style: chr10-64952829-G-A.
Other names: c.5399C>T, p.Ser1800Phe (NM_001282948.2, NM_001318154.2); c.5081C>T, p.Ser1694Phe (NM_001318153.2); c.5831C>T, p.Ser1944Phe (NM_001322252.2); c.5288C>T, p.Ser1763Phe (NM_001322254.2, NM_001322258.2); short protein forms S1763F, S1944F, S1982F, S1694F, S1800F.
Identifiers: ClinVar variation 3730580 (VCV003730580.2).